The following is an entry in ClinVar:

ClinVar aggregate classification (germline): Likely pathogenic. Review status: criteria provided, multiple submitters, no conflicts (2 of 4 stars). 4 submissions from 4 submitters: Likely pathogenic (4). Last evaluated 2024-01-03.

Conditions:
Fanconi anemia complementation group O. Also called: RAD51C-Related Fanconi Anemia. Identifiers: Orphanet 84, MedGen C3150653, MONDO:0013248, OMIM 613390.
Hereditary cancer-predisposing syndrome. Also called: Hereditary neoplastic syndrome; Neoplastic Syndromes, Hereditary; Tumor predisposition; Hereditary Cancer Syndrome. Identifiers: Orphanet 140162, MedGen C0027672, MeSH D009386, MONDO:0015356.
Breast-ovarian cancer, familial, susceptibility to, 3. Also called: RAD51C-Related Breast/Ovarian Cancer. Identifiers: Orphanet 145, MedGen C3150659, MONDO:0013253, OMIM 613399.

Submissions (4):

Myriad Genetics, Inc.
Classification: Likely pathogenic for Breast-ovarian cancer, familial, susceptibility to, 3. Last evaluated: 2024-01-03. Review status: criteria provided, single submitter. Criteria: Myriad Autosomal Dominant, Autosomal Recessive and X-Linked Classification Criteria (2023). Collection method: clinical testing. Allele origin: unknown.
Comment: This variant is considered likely pathogenic. This variant occurs within a consensus splice junction and is predicted to result in abnormal mRNA splicing of either an out-of-frame exon or an in-frame exon necessary for protein stability and/or normal function.

Ambry Genetics
Classification: Likely pathogenic for Hereditary cancer-predisposing syndrome. Last evaluated: 2023-09-07. Review status: criteria provided, single submitter. Criteria: Ambry Variant Classification Scheme 2023. Collection method: clinical testing. Allele origin: germline.
Comment: The c.837+1delG intronic variant, located in intron 5 of the RAD51C gene, results from a deletion of one nucleotide within intron 5 of the RAD51C gene. A similar alteration at this canonical splice site, c.837+1G>A, is recurrent in Finnish breast/ovarian cancer families, with haplotype analysis supporting a founder effect in this population, as well as cDNA studies suggesting aberrant splicing and loss of heterozygosity (Pelttari LM, Hum. Mol. Genet. 2011 Aug; 20(16):3278-88). This nucleotide position is highly conserved in available vertebrate species. In silico splice site analysis predicts that this alteration will weaken the native splice donor site; however, direct evidence is insufficient at this time (Ambry internal data). Alterations that disrupt the canonical splice site are expected to cause aberrant splicing, resulting in an abnormal protein or a transcript that is subject to nonsense-mediated mRNA decay. As such, this alteration is classified as likely pathogenic.

Labcorp Genetics (formerly Invitae), Labcorp
Classification: Likely pathogenic for Fanconi anemia complementation group O. Last evaluated: 2023-03-04. Review status: criteria provided, single submitter. Criteria: Invitae Variant Classification Sherloc (09022015). Collection method: clinical testing. Allele origin: germline.
Comment: ClinVar contains an entry for this variant (Variation ID: 484745). This variant has not been reported in the literature in individuals affected with RAD51C-related conditions. This variant is not present in population databases (gnomAD no frequency). This sequence change affects a splice site in intron 5 of the RAD51C gene. It is expected to disrupt RNA splicing. Variants that disrupt the donor or acceptor splice site typically lead to a loss of protein function (PMID: 16199547), and loss-of-function variants in RAD51C are known to be pathogenic (PMID: 20400964, 21990120, 24800917). In summary, the currently available evidence indicates that the variant is pathogenic, but additional data are needed to prove that conclusively. Therefore, this variant has been classified as Likely Pathogenic. Algorithms developed to predict the effect of sequence changes on RNA splicing suggest that this variant may disrupt the consensus splice site.

Baylor Genetics
Classification: Likely pathogenic for Breast-ovarian cancer, familial, susceptibility to, 3. Last evaluated: 2021-08-01. Review status: criteria provided, single submitter. Criteria: ACMG Guidelines, 2015. Collection method: clinical testing. Allele origin: unknown.

Literature cited by the submitters: PubMed 16199547 (cited by Labcorp Genetics (formerly Invitae), Labcorp); PubMed 20400964 (cited by Labcorp Genetics (formerly Invitae), Labcorp); PubMed 21990120 (cited by Labcorp Genetics (formerly Invitae), Labcorp); PubMed 24800917 (cited by Labcorp Genetics (formerly Invitae), Labcorp).

NM_058216.3(RAD51C):c.837+1del

Gene: RAD51C (RAD51 paralog C; plus strand). Cytogenetic location: 17q22.
Variant type: Deletion.
Coding change: c.837+1del on transcript NM_058216.3 (MANE Select); the canonical splice donor site of the intron after coding-DNA position 837, one base deleted (G; older notation c.837+1delG).
Molecular consequence: splice donor variant.
Genome position (GRCh38, 1-based): chr17:58,709,991, G deleted. VCF-style (leftmost placement, unchanged base first): chr17-58709990-TG-T. GRCh37 (hg19) VCF-style: chr17-56787351-TG-T.
Identifiers: ClinVar variation 484745 (VCV000484745.14), dbSNP rs1555599288, ClinGen allele CA658658647.